The following is an entry in ClinVar:

NM_003482.4(KMT2D):c.13441G>T (p.Glu4481Ter)

Gene: KMT2D (lysine methyltransferase 2D; minus strand). Cytogenetic location: 12q13.12.
Variant type: single nucleotide variant.
Coding change: c.13441G>T on transcript NM_003482.4 (MANE Select); coding-DNA position 13441, G replaced by T.
Protein change: p.Glu4481Ter; replaces glutamic acid 4481 with a stop codon.
Molecular consequence: nonsense.
Genome position (GRCh38, 1-based): chr12:49,031,264, C>A on the plus strand (G>T on the coding strand, the complement: KMT2D is on the minus strand). VCF-style: chr12-49031264-C-A. GRCh37 (hg19) VCF-style: chr12-49425047-C-A.
Other names: short protein forms E4481*.
Identifiers: ClinVar variation 2001877 (VCV002001877.4), dbSNP rs778628310, ClinGen allele CA384704317.
Genomic context (GRCh38, chr12:49,031,264, plus strand): 5'-TCTGCTCCAGCCCAGCCAGCTTGCTGTCAATGTGCCCGTTGATCTCAGCTCGCAGCCCCT[C>A]GGACCCCCGCCCAGTGCTGAGTTGCACATTCTTTGCCCGGAGTAGCTTCTGCAAGAGCAG-3'

ClinVar aggregate classification (germline): Pathogenic (1 of 4 stars; one submission).

Conditions:
Kabuki syndrome. Also called: Kabuki make-up syndrome; NIIKAWA-KUROKI SYNDROME. Identifiers: Orphanet 2322, MedGen C0796004, MONDO:0016512.

Submission:

Labcorp Genetics (formerly Invitae), Labcorp
Classification: Pathogenic for Kabuki syndrome. Last evaluated: 2022-06-01. Review status: criteria provided, single submitter. Criteria: Invitae Variant Classification Sherloc (09022015). Collection method: clinical testing. Allele origin: germline.
Comment: This variant is not present in population databases (gnomAD no frequency). For these reasons, this variant has been classified as Pathogenic. This variant has not been reported in the literature in individuals affected with KMT2D-related conditions. This sequence change creates a premature translational stop signal (p.Glu4481*) in the KMT2D gene. It is expected to result in an absent or disrupted protein product. Loss-of-function variants in KMT2D are known to be pathogenic (PMID: 22126750).

Literature cited by the submitters: PubMed 22126750.